The following is an entry in ClinVar:

NM_014363.6(SACS):c.326A>G (p.Glu109Gly)

Gene: SACS (sacsin molecular chaperone; minus strand). Cytogenetic location: 13q12.12.
Variant type: single nucleotide variant.
Coding change: c.326A>G on transcript NM_014363.6 (MANE Select); coding-DNA position 326, A replaced by G.
Protein change: p.Glu109Gly; replaces glutamic acid 109 with glycine.
Molecular consequence: missense variant. On other transcripts: 5 prime UTR variant (1).
Genome position (GRCh38, 1-based): chr13:23,368,421, T>C on the plus strand (A>G on the coding strand, the complement: SACS is on the minus strand). VCF-style: chr13-23368421-T-C. GRCh37 (hg19) VCF-style: chr13-23942560-T-C.
Other names: c.-116A>G (NM_001278055.2); short protein forms E109G.
Identifiers: ClinVar variation 858431 (VCV000858431.7), dbSNP rs1317414910, ClinGen allele CA387553174.
Genomic context (GRCh38, chr13:23,368,421, plus strand): 5'-TTATCAAAGTAAATAACACATGAACACGACATGTGCCCCACCTTAAGAATCTGTCCTCCT[T>C]CTGGATATCTTCTCAAAATGTCCTTGAGAAAATCAACAAGTGGTGGCGTTGTCTGACCAA-3'
Protein context (NP_055178.3, residues 99-119): FLKDILRRYP[Glu109Gly]GGQILKELIQ

ClinVar aggregate classification (germline): Uncertain significance (1 of 4 stars; one submission).

Conditions:
Spastic paraplegia. Identifiers: MedGen C0037772, HP:0001258.

Allele frequency attached by ClinVar (database versions not stated): gnomAD exomes below 0.00001; TOPMed below 0.00001; gnomAD 0.00001.
gnomAD v4.1: 7 of 1,612,260 alleles (0.00043%); highest among the groups gnomAD compares: Non-Finnish European, 0.00059%; no homozygotes.

Submission:

Labcorp Genetics (formerly Invitae), Labcorp
Classification: Uncertain significance for Spastic paraplegia. Last evaluated: 2022-02-04. Review status: criteria provided, single submitter. Criteria: Invitae Variant Classification Sherloc (09022015). Collection method: clinical testing. Allele origin: germline.
Comment: This sequence change replaces glutamic acid, which is acidic and polar, with glycine, which is neutral and non-polar, at codon 109 of the SACS protein (p.Glu109Gly). This variant is present in population databases (no rsID available, gnomAD 0.0009%). This variant has not been reported in the literature in individuals affected with SACS-related conditions. ClinVar contains an entry for this variant (Variation ID: 858431). Advanced modeling of protein sequence and biophysical properties (such as structural, functional, and spatial information, amino acid conservation, physicochemical variation, residue mobility, and thermodynamic stability) performed at Invitae indicates that this missense variant is not expected to disrupt SACS protein function. In summary, the available evidence is currently insufficient to determine the role of this variant in disease. Therefore, it has been classified as a Variant of Uncertain Significance.